The following is an entry in ClinVar:

NM_004006.3(DMD):c.4516G>C (p.Val1506Leu)

Gene: DMD (dystrophin; minus strand). Cytogenetic location: Xp21.1.
Variant type: single nucleotide variant.
Coding change: c.4516G>C on transcript NM_004006.3 (MANE Select); coding-DNA position 4516, G replaced by C.
Protein change: p.Val1506Leu; replaces valine 1506 with leucine.
Molecular consequence: missense variant.
Genome position (GRCh38, 1-based): chrX:32,389,503, C>G on the plus strand (G>C on the coding strand, the complement: DMD is on the minus strand). VCF-style: chrX-32389503-C-G. GRCh37 (hg19) VCF-style: chrX-32407620-C-G.
Other names: c.4492G>C, p.Val1498Leu (NM_000109.4); c.4504G>C, p.Val1502Leu (NM_004009.3); c.4147G>C, p.Val1383Leu (NM_004010.3); c.493G>C, p.Val165Leu (NM_004011.4); c.484G>C, p.Val162Leu (NM_004012.4); short protein forms V1383L, V1502L, V1506L, V162L, V1498L, V165L.
Identifiers: ClinVar variation 3648023 (VCV003648023.2).

ClinVar aggregate classification (germline): Uncertain significance (1 of 4 stars; one submission).

Conditions:
Duchenne muscular dystrophy (DMD). Also called: MUSCULAR DYSTROPHY, PSEUDOHYPERTROPHIC PROGRESSIVE, DUCHENNE TYPE; Duchenne Muscular Dystrophy (DMD). Identifiers: Orphanet 98896, MedGen C0013264, MONDO:0010679, OMIM 310200.

Submission:

Labcorp Genetics (formerly Invitae), Labcorp
Classification: Uncertain significance for Duchenne muscular dystrophy. Last evaluated: 2024-03-28. Review status: criteria provided, single submitter. Criteria: Invitae Variant Classification Sherloc (09022015). Collection method: clinical testing. Allele origin: germline.
Comment: This sequence change replaces valine, which is neutral and non-polar, with leucine, which is neutral and non-polar, at codon 1506 of the DMD protein (p.Val1506Leu). This variant is not present in population databases (gnomAD no frequency). This variant has not been reported in the literature in individuals affected with DMD-related conditions. An algorithm developed to predict the effect of missense changes on protein structure and function (PolyPhen-2) suggests that this variant is likely to be disruptive. In summary, the available evidence is currently insufficient to determine the role of this variant in disease. Therefore, it has been classified as a Variant of Uncertain Significance.